The following is an entry in ClinVar:

NM_000393.5(COL5A2):c.44T>C (p.Ile15Thr)

Gene: COL5A2 (collagen type V alpha 2 chain; minus strand). Cytogenetic location: 2q32.2.
Variant type: single nucleotide variant.
Coding change: c.44T>C on transcript NM_000393.5 (MANE Select); coding-DNA position 44, T replaced by C.
Protein change: p.Ile15Thr; replaces isoleucine 15 with threonine.
Molecular consequence: missense variant.
Genome position (GRCh38, 1-based): chr2:189,179,561, A>G on the plus strand (T>C on the coding strand, the complement: COL5A2 is on the minus strand). VCF-style: chr2-189179561-A-G. GRCh37 (hg19) VCF-style: chr2-190044287-A-G.
Other names: c.44T>C (NM_000393.4, NM_000393.3); short protein forms I15T.
Identifiers: ClinVar variation 1508139 (VCV001508139.8), dbSNP rs369394572, ClinGen allele CA2023214.

ClinVar aggregate classification (germline): Conflicting classifications of pathogenicity. Review status: criteria provided, conflicting classifications (1 of 4 stars). 3 submissions from 3 submitters: Uncertain significance (1); Likely benign (2). Last evaluated 2025-07-22.

Conditions:
COL5A2-related disorder. Also called: COL5A2-related condition.
Ehlers-Danlos syndrome, classic type, 1 (EDSCL1). Also called: Ehlers-Danlos syndrome, type 1; Ehlers-Danlos Syndrome, Classic Type, COL5A1-Related; EDS I; EHLERS-DANLOS SYNDROME, GRAVIS TYPE; EHLERS-DANLOS SYNDROME, SEVERE CLASSIC TYPE. Identifiers: MedGen C0268335, MONDO:0019567, OMIM 130000.
Familial thoracic aortic aneurysm and aortic dissection (TAAD). Also called: Thoracic aortic aneurysms and dissections. Identifiers: Orphanet 91387, MedGen C4707243, MONDO:0019625.

Allele frequency attached by ClinVar (database versions not stated): gnomAD exomes below 0.00001; ExAC 0.00001; gnomAD 0.00002; TOPMed 0.00003; ESP Exome Variant Server 0.00015.
gnomAD v4.1: 5 of 1,610,682 alleles (0.00031%); highest among the groups gnomAD compares: African/African-American, 0.004%; no homozygotes.

Submissions (3):

Labcorp Genetics (formerly Invitae), Labcorp
Classification: Likely benign for Ehlers-Danlos syndrome, classic type, 1. Last evaluated: 2025-07-22. Review status: criteria provided, single submitter. Criteria: Invitae Variant Classification Sherloc (09022015). Collection method: clinical testing. Allele origin: germline.

PreventionGenetics, part of Exact Sciences
Classification: Uncertain significance for COL5A2-related condition. Last evaluated: 2025-01-27. Review status: criteria provided, single submitter. Criteria: ACMG Guidelines, 2015. Collection method: clinical testing. Allele origin: germline.
Comment: The COL5A2 c.44T>C variant is predicted to result in the amino acid substitution p.Ile15Thr. To our knowledge, this variant has not been reported in the literature. This variant is reported in 0.0065% of alleles in individuals of African descent in gnomAD. At this time, the clinical significance of this variant is uncertain due to the absence of conclusive functional and genetic evidence.

Ambry Genetics
Classification: Likely benign for Familial thoracic aortic aneurysm and aortic dissection. Last evaluated: 2024-08-16. Review status: criteria provided, single submitter. Criteria: Ambry Variant Classification Scheme 2023. Collection method: clinical testing. Allele origin: germline.